The following is an entry in ClinVar:

NM_003803.4(MYOM1):c.2728C>G (p.Pro910Ala)

Gene: MYOM1 (myomesin 1; minus strand). Cytogenetic location: 18p11.31.
Variant type: single nucleotide variant.
Coding change: c.2728C>G on transcript NM_003803.4 (MANE Select); coding-DNA position 2728, C replaced by G.
Protein change: p.Pro910Ala; replaces proline 910 with alanine.
Molecular consequence: missense variant. On other transcripts: intron variant (1).
Genome position (GRCh38, 1-based): chr18:3,129,298, G>C on the plus strand (C>G on the coding strand, the complement: MYOM1 is on the minus strand). VCF-style: chr18-3129298-G-C. GRCh37 (hg19) VCF-style: chr18-3129296-G-C.
Other names: c.2506+2077C>G (NM_019856.2); short protein forms P910A.
Identifiers: ClinVar variation 2894263 (VCV002894263.3), dbSNP rs759774051, ClinGen allele CA8874540.

ClinVar aggregate classification (germline): Uncertain significance (1 of 4 stars; one submission).

Conditions:
Hypertrophic cardiomyopathy. Also called: HYPERTROPHIC MYOCARDIOPATHY. Identifiers: Orphanet 217569, MedGen C0007194, MeSH D002312, MONDO:0005045, HP:0001639.

Allele frequency attached by ClinVar (database versions not stated): gnomAD 0.00001.
gnomAD v4.1: 14 of 1,613,864 alleles (0.00087%); highest among the groups gnomAD compares: South Asian, 0.015%; no homozygotes.

Submission:

Labcorp Genetics (formerly Invitae), Labcorp
Classification: Uncertain significance for Hypertrophic cardiomyopathy. Last evaluated: 2023-04-15. Review status: criteria provided, single submitter. Criteria: Invitae Variant Classification Sherloc (09022015). Collection method: clinical testing. Allele origin: germline.
Comment: Algorithms developed to predict the effect of missense changes on protein structure and function output the following: SIFT: "Not Available"; PolyPhen-2: "Benign"; Align-GVGD: "Not Available". The alanine amino acid residue is found in multiple mammalian species, which suggests that this missense change does not adversely affect protein function. This sequence change replaces proline, which is neutral and non-polar, with alanine, which is neutral and non-polar, at codon 910 of the MYOM1 protein (p.Pro910Ala). This variant is present in population databases (rs759774051, gnomAD 0.02%). In summary, the available evidence is currently insufficient to determine the role of this variant in disease. Therefore, it has been classified as a Variant of Uncertain Significance. This variant has not been reported in the literature in individuals affected with MYOM1-related conditions.